The following is an entry in ClinVar:

NM_000168.6(GLI3):c.1406A>C (p.Glu469Ala)

Gene: GLI3 (GLI family zinc finger 3; minus strand). Cytogenetic location: 7p14.1.
Variant type: single nucleotide variant.
Coding change: c.1406A>C on transcript NM_000168.6 (MANE Select); coding-DNA position 1406, A replaced by C.
Protein change: p.Glu469Ala; replaces glutamic acid 469 with alanine.
Molecular consequence: missense variant.
Genome position (GRCh38, 1-based): chr7:42,023,559, T>G on the plus strand (A>C on the coding strand, the complement: GLI3 is on the minus strand). VCF-style: chr7-42023559-T-G. GRCh37 (hg19) VCF-style: chr7-42063158-T-G.
Other names: short protein forms E469A.
Identifiers: ClinVar variation 4783256 (VCV004783256.1).

ClinVar aggregate classification (germline): Uncertain significance (1 of 4 stars; one submission).

Conditions:
Pallister-Hall syndrome (PHS). Also called: GLI3-Related Pallister-Hall Syndrome; HYPOTHALAMIC HAMARTOBLASTOMA, HYPOPITUITARISM, IMPERFORATE ANUS, AND POSTAXIAL POLYDACTYLY. Identifiers: Orphanet 672, MedGen C0265220, MONDO:0007804, OMIM 146510.
Greig cephalopolysyndactyly syndrome (GCPS). Also called: POLYSYNDACTYLY WITH PECULIAR SKULL SHAPE; Greig syndrome; GLI3-Related Greig Cephalopolysyndactyly Syndrome. Identifiers: Orphanet 380, MedGen C0265306, MONDO:0008287, OMIM 175700.

Submission:

Labcorp Genetics (formerly Invitae), Labcorp
Classification: Uncertain significance for Pallister-Hall syndrome; Greig cephalopolysyndactyly syndrome. Last evaluated: 2025-11-28. Review status: criteria provided, single submitter. Criteria: Invitae Variant Classification Sherloc (09022015). Collection method: clinical testing. Allele origin: germline.
Comment: This sequence change replaces glutamic acid, which is acidic and polar, with alanine, which is neutral and non-polar, at codon 469 of the GLI3 protein (p.Glu469Ala). This variant is not present in population databases (gnomAD no frequency). This variant has not been reported in the literature in individuals affected with GLI3-related conditions. Invitae Evidence Modeling of protein sequence and biophysical properties (such as structural, functional, and spatial information, amino acid conservation, physicochemical variation, residue mobility, and thermodynamic stability) indicates that this missense variant is not expected to disrupt GLI3 protein function with a negative predictive value of 95%. In summary, the available evidence is currently insufficient to determine the role of this variant in disease. Therefore, it has been classified as a Variant of Uncertain Significance.